The following is an entry in ClinVar:

ClinVar aggregate classification (germline): Likely pathogenic. Review status: reviewed by expert panel (3 of 4 stars). 8 submissions from 8 submitters: Likely pathogenic (1). 7 of the submissions do not count toward it. Last evaluated 2021-05-06.

Conditions:
Progressive sclerosing poliodystrophy (MTDPS4A). Also called: ALPERS PROGRESSIVE INFANTILE POLIODYSTROPHY; Mitochondrial DNA depletion syndrome 4A (Alpers type); Alpers Syndrome; NEURONAL DEGENERATION OF CHILDHOOD WITH LIVER DISEASE, PROGRESSIVE; ALPERS DIFFUSE DEGENERATION OF CEREBRAL GRAY MATTER WITH HEPATIC CIRRHOSIS; Alpers-Huttenlocher Syndrome. Identifiers: Orphanet 726, MedGen C0205710, MONDO:0008758, OMIM 203700.
POLG-related disorder. Also called: POLG-related condition; POLG-Related Disorders; POLG-Related Spectrum Disorders. Identifiers: MedGen C4763519.
Mitochondrial disease. Also called: Mitochondrial disorder; Mitochondrial disorders. Identifiers: Orphanet 68380, MedGen C0751651, MeSH D028361, MONDO:0044970.

Allele frequency attached by ClinVar (database versions not stated): gnomAD exomes below 0.00001.
gnomAD v4.1: 1 of 1,614,120 alleles (0.000062%); highest among the groups gnomAD compares: Non-Finnish European, 0.000085%; no homozygotes.

Submissions (8):

ClinGen Mitochondrial Disease Nuclear and Mitochondrial  Variant Curation Expert Panel, ClinGen
Classification: Likely pathogenic for Mitochondrial disease. Last evaluated: 2021-05-06. Review status: reviewed by expert panel. Criteria: ClinGen Mito Disease ACMG Specifications v1. Collection method: curation. Allele origin: germline. Inheritance: Autosomal recessive inheritance.
Comment: The c.3573G>T (p.K1191N) variant in POLG is absent in population databases (PM2). Computational prediction tool Revel score 0.876 (PP3 met - Revel score > 0.75). This variant has been seen in 3 cases in the compound heterozygote state: in two cases, with Ala467Thr presenting with Alpers syndrome, and one with c.752C>T (p.Thr251Ile) / c.1760 C>T (p.Pro587Leu) presenting with CPEO spectrum (PM3_strong met; PMID: 16621917; PMID: 21880868; PMID: 19538466). In summary, this variant is characterized as a likely pathogenic variant for primary mitochondrial disease inherited in an autosomal recessive manner. ntDNA Mitochondrial ACMG-AMP Criteria for POLG applied: PM2, PM3_strong, PP3.

Athena Diagnostics
Classification: Likely pathogenic. Last evaluated: 2024-05-31. Review status: criteria provided, single submitter. Criteria: Athena Diagnostics Criteria. Collection method: clinical testing. Allele origin: unknown. Not counted in ClinVar's aggregate classification.
Comment: This variant has not been reported in large, multi-ethnic general populations. This variant has been identified in at least one individual with clinical features associated with a POLG-related disorder. Assessment of experimental evidence suggests this variant results in abnormal protein function. (PMID: 32234506)

CeGaT Center for Human Genetics Tuebingen
Classification: Pathogenic. Last evaluated: 2024-04-01. Review status: criteria provided, single submitter. Criteria: CeGaT Center For Human Genetics Tuebingen Variant Classification Criteria Version 2. Collection method: clinical testing. Allele origin: germline. Affected: yes. Observed: 1 variant allele. Not counted in ClinVar's aggregate classification.
Comment: POLG: PM3:Very Strong, PM2, PM5, PP3

PreventionGenetics, part of Exact Sciences
Classification: Likely pathogenic for POLG-related condition. Last evaluated: 2023-05-02. Review status: criteria provided, single submitter. Criteria: ACMG Guidelines, 2015. Collection method: clinical testing. Allele origin: germline. Not counted in ClinVar's aggregate classification.
Comment: The POLG c.3573G>T variant is predicted to result in the amino acid substitution p.Lys1191Asn. This variant has been reported in the compound heterozygous state with the pathogenic variant p.Ala467Thr or a pathogenic complex allele p.[Thr251Ile;Pro587Leu] in individuals with POLG-related disorders (Horvath et al. 2006. PubMed ID: 16621917; Müller-Höcker et al. 2011. PubMed ID: 19538466; Piekutowska-Abramczuk et al. 2018. PubMed ID: 30423451; Table S2, Kierdaszuk et al. 2021. PubMed ID: 33396418). This variant has not been reported in a large population database, indicating this variant is rare. This variant is classified as likely pathogenic by the ClinGen Mitochondrial Disease Nuclear and Mitochondrial Variant Curation Expert Panel. We interpret this variant as likely pathogenic.

Labcorp Genetics (formerly Invitae), Labcorp
Classification: Pathogenic for Progressive sclerosing poliodystrophy. Last evaluated: 2022-12-02. Review status: criteria provided, single submitter. Criteria: Invitae Variant Classification Sherloc (09022015). Collection method: clinical testing. Allele origin: germline. Not counted in ClinVar's aggregate classification.
Comment: For these reasons, this variant has been classified as Pathogenic. Advanced modeling of protein sequence and biophysical properties (such as structural, functional, and spatial information, amino acid conservation, physicochemical variation, residue mobility, and thermodynamic stability) performed at Invitae indicates that this missense variant is expected to disrupt POLG protein function. ClinVar contains an entry for this variant (Variation ID: 426681). This missense change has been observed in individual(s) with autosomal recessive POLG-related disorders (PMID: 16621917, 19538466, 30423451). In at least one individual the data is consistent with being in trans (on the opposite chromosome) from a pathogenic variant. This variant is not present in population databases (gnomAD no frequency). This sequence change replaces lysine, which is basic and polar, with asparagine, which is neutral and polar, at codon 1191 of the POLG protein (p.Lys1191Asn).

GeneDx
Classification: Likely pathogenic. Last evaluated: 2019-05-24. Review status: criteria provided, single submitter. Criteria: GeneDx Variant Classification Process June 2021. Collection method: clinical testing. Allele origin: germline. Affected: yes. Not counted in ClinVar's aggregate classification.
Comment: Not observed at a significant frequency in large population cohorts (Lek et al., 2016); In silico analysis, which includes protein predictors and evolutionary conservation, supports a deleterious effect; This variant is associated with the following publications: (PMID: 30423451, 16621917, 21038416, 21880868, 19538466, 24508722)

Wong Mito Lab, Molecular and Human Genetics, Baylor College of Medicine
Classification: Pathogenic for Progressive sclerosing poliodystrophy. Last evaluated: 2018-10-01. Review status: criteria provided, single submitter. Criteria: ACMG Guidelines, 2015. Collection method: clinical testing. Allele origin: germline. Not counted in ClinVar's aggregate classification.
Comment: The NM_002693.2:c.3573G>T (NP_002684.1:p.Lys1191Asn) [GRCH38: NC_000015.10:g.89317446C>A] variant in POLG gene is interpretated to be a Pathogenic based on ACMG guidelines (PMID: 25741868). This variant has been reported in PMID:16621917 . This variant meets the following evidence codes reported in the ACMG-guideline. PS1:This variation causes same amino-acid change as an established pathogenic variant. PM2:This variant is absent in key population databases. PM3:Detected in trans with a pathogenic variant for Mitochondrial DNA depletion syndrome 4A (Alpers type) which is a recessive disorder. PP1:This variant is co-segregated with Mitochondrial DNA depletion syndrome 4A (Alpers type) in multiple affected family members. PP2:This is a missense variant in POLG with a low rate of benign and high rate of pathogenic missense variations. PP4:Patient's phenotype or family history is highly specific for POLG. Based on the evidence criteria codes applied, the variant is suggested to be Pathogenic.

Mayo Clinic Laboratories, Mayo Clinic
Classification: Uncertain significance. Last evaluated: 2016-03-07. Review status: no assertion criteria provided. Collection method: clinical testing. Allele origin: unknown. Not counted in ClinVar's aggregate classification.

Literature cited by the submitters: PubMed 32502631 (cited by Athena Diagnostics); PubMed 16621917 (cited by 3 submitters); PubMed 19538466 (cited by Athena Diagnostics and Labcorp Genetics (formerly Invitae), Labcorp); PubMed 30423451 (cited by Athena Diagnostics and Labcorp Genetics (formerly Invitae), Labcorp); PubMed 33396418 (cited by Athena Diagnostics); PubMed 21880868 (cited by Athena Diagnostics); PubMed 32234506 (cited by Athena Diagnostics); PubMed 21038416 (cited by Athena Diagnostics); PubMed 19221117 (cited by Athena Diagnostics).

NM_002693.3(POLG):c.3573G>T (p.Lys1191Asn)

Gene: POLG (DNA polymerase gamma, catalytic subunit; minus strand). Cytogenetic location: 15q26.1.
Variant type: single nucleotide variant.
Coding change: c.3573G>T on transcript NM_002693.3 (MANE Select); coding-DNA position 3573, G replaced by T.
Protein change: p.Lys1191Asn; replaces lysine 1191 with asparagine.
Molecular consequence: missense variant.
Genome position (GRCh38, 1-based): chr15:89,317,446, C>A on the plus strand (G>T on the coding strand, the complement: POLG is on the minus strand). VCF-style: chr15-89317446-C-A. GRCh37 (hg19) VCF-style: chr15-89860677-C-A.
Other names: c.3573G>T, p.Lys1191Asn (NM_001126131.2); c.3573G>T (NM_002693.2); short protein forms K1191N.
Identifiers: ClinVar variation 426681 (VCV000426681.34), dbSNP rs1085307741, ClinGen allele CA10602282.